The following is an entry in ClinVar:

NM_000254.3(MTR):c.2249T>C (p.Phe750Ser)

Gene: MTR (5-methyltetrahydrofolate-homocysteine methyltransferase; plus strand). Cytogenetic location: 1q43.
Variant type: single nucleotide variant.
Coding change: c.2249T>C on transcript NM_000254.3 (MANE Select); coding-DNA position 2249, T replaced by C.
Protein change: p.Phe750Ser; replaces phenylalanine 750 with serine.
Molecular consequence: missense variant.
Genome position (GRCh38, 1-based): chr1:236,862,288, T>C. VCF-style: chr1-236862288-T-C. GRCh37 (hg19) VCF-style: chr1-237025588-T-C.
Other names: c.2096T>C, p.Phe699Ser (NM_001291939.1); c.1028T>C, p.Phe343Ser (NM_001291940.2); short protein forms F343S, F699S, F750S.
Identifiers: ClinVar variation 1184429 (VCV001184429.1), dbSNP rs1664588529, ClinGen allele CA345377980.

ClinVar aggregate classification (germline): Uncertain significance (1 of 4 stars; one submission).

Conditions:
Methylcobalamin deficiency type cblG (HMAG). Also called: HOMOCYSTINURIA-MEGALOBLASTIC ANEMIA, cblG COMPLEMENTATION TYPE; HOMOCYSTINURIA-MEGALOBLASTIC ANEMIA, cblG TYPE; Functional methionine synthase deficiency type cblG; HOMOCYSTINURIA-MEGALOBLASTIC ANEMIA DUE TO DEFECT IN COBALAMIN METABOLISM, cblG COMPLEMENTATION TYPE. Identifiers: Orphanet 2170, Orphanet 622, MedGen C1855128, MONDO:0009609, OMIM 250940.

Submission:

New York Genome Center
Classification: Uncertain significance for Methylcobalamin deficiency type cblG. Last evaluated: 2020-07-01. Review status: criteria provided, single submitter. Criteria: NYGC Assertion Criteria 2020. Collection method: clinical testing. Allele origin: inherited. Observed: 1 homozygote. Study: CSER-NYCKidSeq.
Comment: The c.2249T>C,p.Phe750Ser missense variant identified in the MTR gene has not beenreported in the literature. This variant is not reported in gnomAD database, indicating this is a rare allele. This substitution occurs at a position that is conserved across species, and in silico analysis predicts this variant is probably damaging to the proteinstructure/function. This substitutionis a part of B12-binding N-terminal domain, and in methionine synthase the cobalamin cofactor is sandwiched between the B12-binding domain and an ~90 residues N-terminal domain forming a helical bundle comprising two pairs of antiparallel helices [PMID: 27153729]. Based on the available evidence, the variant c.2249T>C,p.Phe750Ser in the MTRgene is classified as a Variant of Uncertain Significance.